The following is an entry in ClinVar:

NM_031157.4(HNRNPA1):c.279+9G>A

Genes: HNRNPA1 (heterogeneous nuclear ribonucleoprotein A1; plus strand), LOC117038776 (CRISPRi-FlowFISH-validated NFE2 regulatory element 2; plus strand). Cytogenetic location: 12q13.13.
Variant type: single nucleotide variant.
Coding change: c.279+9G>A on transcript NM_031157.4 (MANE Select); 9 bases into the intron after coding-DNA position 279, G replaced by A.
Molecular consequence: intron variant.
Genome position (GRCh38, 1-based): chr12:54,281,950, G>A. VCF-style: chr12-54281950-G-A. GRCh37 (hg19) VCF-style: chr12-54675734-G-A.
Other names: c.279+9G>A (NM_002136.4).
Identifiers: ClinVar variation 3048056 (VCV003048056.2), dbSNP rs772641297, ClinGen allele CA6606166.

ClinVar aggregate classification (germline): Likely benign (0 of 4 stars; one submission).

Conditions:
HNRNPA1-related disorder. Also called: HNRNPA1-related condition.

Allele frequency attached by ClinVar (database versions not stated): TOPMed below 0.00001; ExAC 0.00001.

Submission:

PreventionGenetics, part of Exact Sciences
Classification: Likely benign for HNRNPA1-related condition. Last evaluated: 2023-09-01. Review status: no assertion criteria provided. Collection method: clinical testing. Allele origin: germline.
Comment: This variant is classified as likely benign based on ACMG/AMP sequence variant interpretation guidelines (Richards et al. 2015 PMID: 25741868, with internal and published modifications).